The following is an entry in ClinVar:

ClinVar aggregate classification (germline): Uncertain significance. Review status: criteria provided, multiple submitters, no conflicts (2 of 4 stars). 3 submissions from 3 submitters: Uncertain significance (3). Last evaluated 2026-08-25.

Conditions:
MYPN-related disorder. Also called: MYPN-related condition.
Cardiovascular phenotype. Identifiers: MedGen CN230736.
Dilated cardiomyopathy 1KK (CMD1KK). Identifiers: Orphanet 154, Orphanet 75249, MedGen C3714995, MONDO:0014100, OMIM 615248.

Allele frequency attached by ClinVar (database versions not stated): ExAC 0.00001; gnomAD 0.00002; TOPMed 0.00003; ESP Exome Variant Server 0.00015.
gnomAD v4.1: 3 of 1,614,086 alleles (0.00019%); highest among the groups gnomAD compares: African/African-American, 0.004%; no homozygotes.

Submissions (3):

PreventionGenetics, part of Exact Sciences
Classification: Uncertain significance for MYPN-related condition. Last evaluated: 2026-08-25. Review status: criteria provided, single submitter. Criteria: ACMG Guidelines, 2015. Collection method: clinical testing. Allele origin: germline.
Comment: The MYPN c.363C>G variant is predicted to result in the amino acid substitution p.Asn121Lys. To our knowledge, this variant has not been reported in the literature. This variant is reported in 0.0062% of alleles in individuals of African descent in gnomAD. At this time, the clinical significance of this variant is uncertain due to the absence of conclusive functional and genetic evidence.

Ambry Genetics
Classification: Uncertain significance for Cardiovascular phenotype. Last evaluated: 2025-06-07. Review status: criteria provided, single submitter. Criteria: Ambry Variant Classification Scheme 2023. Collection method: clinical testing. Allele origin: germline.

Labcorp Genetics (formerly Invitae), Labcorp
Classification: Uncertain significance for Dilated cardiomyopathy 1KK. Last evaluated: 2022-02-18. Review status: criteria provided, single submitter. Criteria: Invitae Variant Classification Sherloc (09022015). Collection method: clinical testing. Allele origin: germline.
Comment: In summary, the available evidence is currently insufficient to determine the role of this variant in disease. Therefore, it has been classified as a Variant of Uncertain Significance. Algorithms developed to predict the effect of missense changes on protein structure and function (SIFT, PolyPhen-2, Align-GVGD) all suggest that this variant is likely to be tolerated. This variant has not been reported in the literature in individuals affected with MYPN-related conditions. This variant is present in population databases (rs373647545, gnomAD 0.007%). This sequence change replaces asparagine, which is neutral and polar, with lysine, which is basic and polar, at codon 121 of the MYPN protein (p.Asn121Lys).

NM_032578.4(MYPN):c.363C>G (p.Asn121Lys)

Gene: MYPN (myopalladin; plus strand). Cytogenetic location: 10q21.3.
Variant type: single nucleotide variant.
Coding change: c.363C>G on transcript NM_032578.4 (MANE Select); coding-DNA position 363, C replaced by G.
Protein change: p.Asn121Lys; replaces asparagine 121 with lysine.
Molecular consequence: missense variant. On other transcripts: 5 prime UTR variant (1), non-coding transcript variant (1).
Genome position (GRCh38, 1-based): chr10:68,121,801, C>G. VCF-style: chr10-68121801-C-G. GRCh37 (hg19) VCF-style: chr10-69881558-C-G.
Other names: c.363C>G, p.Asn121Lys (NM_001256267.2); c.-760C>G (NM_001256268.2); short protein forms N121K.
Identifiers: ClinVar variation 1733474 (VCV001733474.7), dbSNP rs373647545, ClinGen allele CA5522265.